The following is an entry in ClinVar:

NM_138927.4(SON):c.1658del (p.Val553fs)

Gene: SON (SON DNA and RNA binding protein; plus strand). Cytogenetic location: 21q22.11.
Variant type: Deletion.
Coding change: c.1658del on transcript NM_138927.4 (MANE Select); coding-DNA position 1658, one base deleted (T; older notation c.1658delT).
Protein change: p.Val553fs; shifts the reading frame from valine 553.
Molecular consequence: frameshift variant. On other transcripts: non-coding transcript variant (1), intron variant (1).
Genome position (GRCh38, 1-based): chr21:33,550,889, T deleted. VCF-style (leftmost placement, unchanged base first): chr21-33550888-GT-G. GRCh37 (hg19) VCF-style: chr21-34923194-GT-G.
Other names: c.1658del, p.Val553fs (NM_001291411.2, NM_032195.3); c.244+4510del (NM_001291412.3); short protein forms V553fs.
Identifiers: ClinVar variation 869477 (VCV000869477.2), dbSNP rs2085761543, ClinGen allele CA916083776.

ClinVar aggregate classification (germline): Likely pathogenic (1 of 4 stars; one submission).

Conditions:
ZTTK syndrome (ZTTKS). Also called: ZTTK MULTIPLE CONGENITAL ANOMALIES-MENTAL RETARDATION SYNDROME; Zhu-Tokita-Takenouchi-Kim Syndrome. Identifiers: Orphanet 500150, MedGen C4310696, MONDO:0014936, OMIM 617140.

Submission:

Victorian Clinical Genetics Services, Murdoch Childrens Research Institute
Classification: Likely pathogenic for ZTTK syndrome. Last evaluated: 2018-09-27. Review status: criteria provided, single submitter. Criteria: ACMG Guidelines, 2015. Collection method: clinical testing. Allele origin: unknown. Affected: yes.
Comment: A heterozygous frameshift deletion variant, NM_138927.2(SON):c.1658delT, has been identified in exon 3 of 12 of the SON gene. This variant is intronic in an alternatively spliced transcript (RefSeq. NM_001291412.1). This deletion is predicted to create a frameshift starting at amino acid position 553, introducing a stop codon 14 residues downstream (NP_620305.2(SON):p.(Val553Glyfs*14)). This variant is predicted to result in loss of protein function through nonsense-mediated decay. The variant is absent in the gnomAD population database and has not been previously reported in clinical cases. Many upstream and downstream variants resulting in a premature termination codon have been reported in patients with ZTTK syndrome or inborn genetic diseases (ClinVar). Based on the information available at the time of curation, this variant has been classified as LIKELY PATHOGENIC.